The following is an entry in ClinVar:

NM_014049.5(ACAD9):c.1487A>C (p.Asp496Ala)

Gene: ACAD9 (acyl-CoA dehydrogenase family member 9; plus strand). Cytogenetic location: 3q21.3.
Variant type: single nucleotide variant.
Coding change: c.1487A>C on transcript NM_014049.5 (MANE Select); coding-DNA position 1487, A replaced by C.
Protein change: p.Asp496Ala; replaces aspartic acid 496 with alanine.
Molecular consequence: missense variant. On other transcripts: non-coding transcript variant (1).
Genome position (GRCh38, 1-based): chr3:128,909,345, A>C. VCF-style: chr3-128909345-A-C. GRCh37 (hg19) VCF-style: chr3-128628188-A-C.
Other names: short protein forms D496A.
Identifiers: ClinVar variation 1407580 (VCV001407580.7), dbSNP rs2107663143, ClinGen allele CA354438481.

ClinVar aggregate classification (germline): Uncertain significance (1 of 4 stars; one submission).

Submission:

Labcorp Genetics (formerly Invitae), Labcorp
Classification: Uncertain significance. Last evaluated: 2021-07-26. Review status: criteria provided, single submitter. Criteria: Invitae Variant Classification Sherloc (09022015). Collection method: clinical testing. Allele origin: germline.
Comment: This sequence change replaces aspartic acid with alanine at codon 496 of the ACAD9 protein (p.Asp496Ala). The aspartic acid residue is moderately conserved and there is a moderate physicochemical difference between aspartic acid and alanine. This variant is not present in population databases (ExAC no frequency). This variant has not been reported in the literature in individuals affected with ACAD9-related conditions. Algorithms developed to predict the effect of missense changes on protein structure and function (SIFT, PolyPhen-2, Align-GVGD) all suggest that this variant is likely to be tolerated. In summary, the available evidence is currently insufficient to determine the role of this variant in disease. Therefore, it has been classified as a Variant of Uncertain Significance.